The following is an entry in ClinVar:

NM_018026.4(PACS1):c.2767A>G (p.Met923Val)

Gene: PACS1 (phosphofurin acidic cluster sorting protein 1; plus strand). Cytogenetic location: 11q13.2.
Variant type: single nucleotide variant.
Coding change: c.2767A>G on transcript NM_018026.4 (MANE Select); coding-DNA position 2767, A replaced by G.
Protein change: p.Met923Val; replaces methionine 923 with valine.
Molecular consequence: missense variant.
Genome position (GRCh38, 1-based): chr11:66,243,022, A>G. VCF-style: chr11-66243022-A-G. GRCh37 (hg19) VCF-style: chr11-66010493-A-G.
Other names: c.2767A>G (NM_018026.2); short protein forms M923V.
Identifiers: ClinVar variation 2787183 (VCV002787183.6), dbSNP rs1565161546, ClinGen allele CA381384417.

ClinVar aggregate classification (germline): Uncertain significance. Review status: criteria provided, multiple submitters, no conflicts (2 of 4 stars). 3 submissions from 3 submitters: Uncertain significance (3). Last evaluated 2025-11-12.

Conditions:
Schuurs-Hoeijmakers syndrome. Also called: PACS1-Related Neurodevelopmental Disorder. Identifiers: Orphanet 329224, MedGen C3554343, MONDO:0014006, OMIM 615009.
Inborn genetic diseases. Identifiers: MedGen C0950123, MeSH D030342.

gnomAD v4.1: 1 of 1,613,898 alleles (0.000062%); no homozygotes.

Submissions (3):

Labcorp Genetics (formerly Invitae), Labcorp
Classification: Uncertain significance for Schuurs-Hoeijmakers syndrome. Last evaluated: 2025-11-12. Review status: criteria provided, single submitter. Criteria: Invitae Variant Classification Sherloc (09022015). Collection method: clinical testing. Allele origin: germline.
Comment: This sequence change replaces methionine, which is neutral and non-polar, with valine, which is neutral and non-polar, at codon 923 of the PACS1 protein (p.Met923Val). This variant is not present in population databases (gnomAD no frequency). This variant has not been reported in the literature in individuals affected with PACS1-related conditions. ClinVar contains an entry for this variant (Variation ID: 2787183). Invitae Evidence Modeling of protein sequence and biophysical properties (such as structural, functional, and spatial information, amino acid conservation, physicochemical variation, residue mobility, and thermodynamic stability) indicates that this missense variant is not expected to disrupt PACS1 protein function with a negative predictive value of 80%. In summary, the available evidence is currently insufficient to determine the role of this variant in disease. Therefore, it has been classified as a Variant of Uncertain Significance.

Women's Health and Genetics/Laboratory Corporation of America, LabCorp
Classification: Uncertain significance. Last evaluated: 2025-04-21. Review status: criteria provided, single submitter. Criteria: LabCorp Variant Classification Summary - May 2015. Collection method: clinical testing. Allele origin: germline.
Comment: Variant summary: PACS1 c.2767A>G (p.Met923Val) results in a conservative amino acid change in the encoded protein sequence. Four of five in-silico tools predict a benign effect of the variant on protein function. The variant allele was found at a frequency of 4e-06 in 251370 control chromosomes. The available data on variant occurrences in the general population are insufficient to allow any conclusion about variant significance. To our knowledge, no occurrence of c.2767A>G in individuals affected with Schuurs-Hoeijmakers Syndrome and no experimental evidence demonstrating its impact on protein function have been reported. ClinVar contains an entry for this variant (Variation ID: 2787183). Based on the evidence outlined above, the variant was classified as uncertain significance.

Ambry Genetics
Classification: Uncertain significance for Inborn genetic diseases. Last evaluated: 2024-01-23. Review status: criteria provided, single submitter. Criteria: Ambry Variant Classification Scheme 2023. Collection method: clinical testing. Allele origin: germline.